The following is an entry in ClinVar:

NM_000384.3(APOB):c.8750G>C (p.Gly2917Ala)

Gene: APOB (apolipoprotein B; minus strand). Cytogenetic location: 2p24.1.
Variant type: single nucleotide variant.
Coding change: c.8750G>C on transcript NM_000384.3 (MANE Select); coding-DNA position 8750, G replaced by C.
Protein change: p.Gly2917Ala; replaces glycine 2917 with alanine.
Molecular consequence: missense variant.
Genome position (GRCh38, 1-based): chr2:21,008,118, C>G on the plus strand (G>C on the coding strand, the complement: APOB is on the minus strand). VCF-style: chr2-21008118-C-G. GRCh37 (hg19) VCF-style: chr2-21230990-C-G.
Other names: short protein forms G2917A.
Identifiers: ClinVar variation 3933802 (VCV003933802.2).

ClinVar aggregate classification (germline): Uncertain significance (1 of 4 stars; one submission).

Conditions:
Cardiovascular phenotype. Identifiers: MedGen CN230736.

Submission:

Ambry Genetics
Classification: Uncertain significance for Cardiovascular phenotype. Last evaluated: 2026-09-11. Review status: criteria provided, single submitter. Criteria: Ambry Variant Classification Scheme 2023. Collection method: clinical testing. Allele origin: germline.
Comment: The p.G2917A variant (also known as c.8750G>C), located in coding exon 26 of the APOB gene, results from a G to C substitution at nucleotide position 8750. The glycine at codon 2917 is replaced by alanine, an amino acid with similar properties. This amino acid position is conserved. In addition, this alteration is predicted to be tolerated by in silico analysis. Based on the available evidence, the clinical significance of this variant remains unclear.